The following is an entry in ClinVar:

NM_001006630.2(CHRM2):c.454T>G (p.Phe152Val)

Genes: CHRM2 (cholinergic receptor muscarinic 2; plus strand), LOC349160 (uncharacterized LOC349160; minus strand). Cytogenetic location: 7q33.
Variant type: single nucleotide variant.
Coding change: c.454T>G on transcript NM_001006630.2 (MANE Select); coding-DNA position 454, T replaced by G.
Protein change: p.Phe152Val; replaces phenylalanine 152 with valine.
Molecular consequence: missense variant.
Genome position (GRCh38, 1-based): chr7:137,015,319, T>G. VCF-style: chr7-137015319-T-G. GRCh37 (hg19) VCF-style: chr7-136700066-T-G.
Other names: c.454T>G, p.Phe152Val (NM_000739.3, NM_001006626.3, NM_001006627.3 and 6 more transcripts); short protein forms F152V.
Identifiers: ClinVar variation 1393722 (VCV001393722.8), dbSNP rs2131132038, ClinGen allele CA369486530.

ClinVar aggregate classification (germline): Uncertain significance (1 of 4 stars; one submission).

Submission:

Labcorp Genetics (formerly Invitae), Labcorp
Classification: Uncertain significance. Last evaluated: 2024-02-24. Review status: criteria provided, single submitter. Criteria: Invitae Variant Classification Sherloc (09022015). Collection method: clinical testing. Allele origin: germline.
Comment: This sequence change replaces phenylalanine, which is neutral and non-polar, with valine, which is neutral and non-polar, at codon 152 of the CHRM2 protein (p.Phe152Val). This variant is not present in population databases (gnomAD no frequency). This variant has not been reported in the literature in individuals affected with CHRM2-related conditions. ClinVar contains an entry for this variant (Variation ID: 1393722). An algorithm developed to predict the effect of missense changes on protein structure and function (PolyPhen-2) suggests that this variant is likely to be disruptive. In summary, the available evidence is currently insufficient to determine the role of this variant in disease. Therefore, it has been classified as a Variant of Uncertain Significance.